The following is an entry in ClinVar:

NM_000465.4(BARD1):c.69_70delinsTCCGGGAACGAGCCTCGTTCCGCGT (p.Ala25fs)

Gene: BARD1 (BRCA1 associated RING domain 1; minus strand). Cytogenetic location: 2q35.
Variant type: Indel.
Coding change: c.69_70delinsTCCGGGAACGAGCCTCGTTCCGCGT on transcript NM_000465.4 (MANE Select); coding-DNA positions 69 to 70, GC replaced by TCCGGGAACGAGCCTCGTTCCGCGT.
Protein change: p.Ala25fs; shifts the reading frame from alanine 25.
Molecular consequence: frameshift variant. On other transcripts: non-coding transcript variant (3).
Genome position (GRCh38, 1-based): chr2:214,809,500-214,809,501, GC replaced by ACGCGGAACGAGGCTCGTTCCCGGA on the plus strand (GC replaced by TCCGGGAACGAGCCTCGTTCCGCGT on the coding strand, the reverse complement: BARD1 is on the minus strand). VCF-style: chr2-214809500-GC-ACGCGGAACGAGGCTCGTTCCCGGA. GRCh37 (hg19) VCF-style: chr2-215674224-GC-ACGCGGAACGAGGCTCGTTCCCGGA.
Other names: c.69_70delinsTCCGGGAACGAGCCTCGTTCCGCGT, p.Ala25fs (NM_001282543.2, NM_001282545.2, NM_001282548.2 and 1 more transcripts); short protein forms A25fs.
Identifiers: ClinVar variation 231232 (VCV000231232.17), dbSNP rs876659040, ClinGen allele CA10577866.

ClinVar aggregate classification (germline): Pathogenic/Likely pathogenic. Review status: criteria provided, multiple submitters, no conflicts (2 of 4 stars). 6 submissions from 6 submitters: Pathogenic (5); Likely pathogenic (1). Last evaluated 2025-04-07.

Conditions:
BARD1-related cancer predisposition. Identifiers: MedGen CN377756, MONDO:0700267.
Hereditary cancer-predisposing syndrome. Also called: Neoplastic Syndromes, Hereditary; Tumor predisposition; Hereditary Cancer Syndrome; Hereditary neoplastic syndrome. Identifiers: Orphanet 140162, MedGen C0027672, MeSH D009386, MONDO:0015356.
Familial cancer of breast. Also called: BREAST CANCER, FAMILIAL; hereditary breast carcinoma; Hereditary breast cancer. Identifiers: Orphanet 227535, MedGen C0346153, MONDO:0016419, OMIM 114480. Disease mechanism: loss of function.

Submissions (6):

Labcorp Genetics (formerly Invitae), Labcorp
Classification: Pathogenic for Familial cancer of breast. Last evaluated: 2025-04-07. Review status: criteria provided, single submitter. Criteria: Invitae Variant Classification Sherloc (09022015). Collection method: clinical testing. Allele origin: germline.
Comment: This sequence change creates a premature translational stop signal (p.Ala25Glyfs*41) in the BARD1 gene. It is expected to result in an absent or disrupted protein product. Loss-of-function variants in BARD1 are known to be pathogenic (PMID: 20077502, 21344236). This variant is not present in population databases (gnomAD no frequency). This premature translational stop signal has been observed in individual(s) with neuroendocrine neoplasms (PMID: 30772928). For these reasons, this variant has been classified as Pathogenic.

Institute for Genomic Medicine (IGM) Clinical Laboratory, Nationwide Children's Hospital
Classification: Pathogenic for BARD1-related cancer predisposition. Last evaluated: 2025-01-07. Review status: criteria provided, single submitter. Criteria: ACMG Guidelines, 2015. Collection method: clinical testing. Allele origin: germline.
Comment: This variant is predicted to result in loss of function through nonsense-mediated decay of the encoded transcript or premature truncation of the encoded protein in a gene in which loss of function is a known mechanism of disease (ACMG/AMP: PVS1; PMIDs:20077502, 21344236, 31036035, 32726901). This variant has been reported at an elevated frequency in affected individuals/in multiple affected individuals in the literature (ACMG/AMP: PS4_Supporting; PMID:30772928). This variant is absent from or present at an exceedingly low frequency in gnomAD, a large-scale control population database (ACMG/AMP: PM2).

Ambry Genetics
Classification: Pathogenic for Hereditary cancer-predisposing syndrome. Last evaluated: 2023-05-25. Review status: criteria provided, single submitter. Criteria: Ambry Variant Classification Scheme 2023. Collection method: clinical testing. Allele origin: germline.
Comment: The c.69_70delGCins25 variant, located in coding exon 1 of the BARD1 gene, results from the deletion of two nucleotides and insertion of 25 nucleotides causing a translational frameshift with a predicted alternate stop codon (p.A25Gfs*41). This alteration is expected to result in loss of function by premature protein truncation or nonsense-mediated mRNA decay. As such, this alteration is interpreted as a disease-causing mutation.

Myriad Genetics, Inc.
Classification: Pathogenic for Familial cancer of breast. Last evaluated: 2023-05-17. Review status: criteria provided, single submitter. Criteria: Myriad Autosomal Dominant, Autosomal Recessive and X-Linked Classification Criteria (2023). Collection method: clinical testing. Allele origin: unknown.
Comment: This variant is considered pathogenic. This variant creates a frameshift predicted to result in premature protein truncation.

Color Diagnostics, LLC DBA Color Health
Classification: Pathogenic for Hereditary cancer-predisposing syndrome. Last evaluated: 2020-01-15. Review status: criteria provided, single submitter. Criteria: ACMG Guidelines, 2015. Collection method: clinical testing. Allele origin: germline.
Comment: This variant is located in the BARD1 protein. Splice site prediction tools suggest that this variant may not impact RNA splicing. This variant has not been identified in the general population by the Genome Aggregation Database (gnomAD). Loss of BARD1 function is a known mechanism of disease. Based on the available evidence, this variant is classified as Pathogenic.

Juno Genomics, Hangzhou Juno Genomics, Inc
Classification: Likely pathogenic for Familial cancer of breast. Review status: criteria provided, single submitter. Criteria: ACMG Guidelines, 2015. Collection method: clinical testing. Allele origin: germline.
Comment: Absent from controls (or at extremely low frequency if recessive) in Genome Aggregation Database.;Null variant in a gene where loss of function (LOF) is a known mechanism of disease.

Literature cited by the submitters: PubMed 20077502 (cited by Labcorp Genetics (formerly Invitae), Labcorp and Institute for Genomic Medicine (IGM) Clinical Laboratory, Nationwide Children's Hospital); PubMed 21344236 (cited by Labcorp Genetics (formerly Invitae), Labcorp and Institute for Genomic Medicine (IGM) Clinical Laboratory, Nationwide Children's Hospital); PubMed 30772928 (cited by Labcorp Genetics (formerly Invitae), Labcorp and Institute for Genomic Medicine (IGM) Clinical Laboratory, Nationwide Children's Hospital); PubMed 31036035 (cited by Institute for Genomic Medicine (IGM) Clinical Laboratory, Nationwide Children's Hospital); PubMed 32726901 (cited by Institute for Genomic Medicine (IGM) Clinical Laboratory, Nationwide Children's Hospital).